The following is an entry in ClinVar:

NM_001370259.2(MEN1):c.1478C>T (p.Pro493Leu)

Gene: MEN1 (menin 1; minus strand). Cytogenetic location: 11q13.1.
Variant type: single nucleotide variant.
Coding change: c.1478C>T on transcript NM_001370259.2 (MANE Select); coding-DNA position 1478, C replaced by T.
Protein change: p.Pro493Leu; replaces proline 493 with leucine.
Molecular consequence: missense variant.
Genome position (GRCh38, 1-based): chr11:64,804,689, G>A on the plus strand (C>T on the coding strand, the complement: MEN1 is on the minus strand). VCF-style: chr11-64804689-G-A. GRCh37 (hg19) VCF-style: chr11-64572161-G-A.
Other names: c.1493C>T, p.Pro498Leu (NM_000244.4, NM_130800.3, NM_130801.3 and 3 more transcripts); c.1604C>T, p.Pro535Leu (NM_001370251.2); c.1478C>T, p.Pro493Leu (NM_001370260.2, NM_001370261.2, NM_130799.3); c.1373C>T, p.Pro458Leu (NM_001370262.2, NM_001370263.2); short protein forms P493L, P498L, P458L, P535L.
Identifiers: ClinVar variation 457303 (VCV000457303.16), dbSNP rs766604600, ClinGen allele CA060672.

ClinVar aggregate classification (germline): Conflicting classifications of pathogenicity. Review status: criteria provided, conflicting classifications (1 of 4 stars). 3 submissions from 3 submitters: Uncertain significance (2); Likely benign (1). Last evaluated 2025-07-09.

Conditions:
Hereditary cancer-predisposing syndrome. Also called: Hereditary Cancer Syndrome; Hereditary neoplastic syndrome; Tumor predisposition; Neoplastic Syndromes, Hereditary. Identifiers: Orphanet 140162, MedGen C0027672, MeSH D009386, MONDO:0015356.
Multiple endocrine neoplasia, type 1 (MEN1). Also called: MEN I; WERMER SYNDROME; Endocrine adenomatosis multiple; MEN 1; MEA I. Identifiers: Orphanet 652, MedGen C0025267, MeSH D018761, MONDO:0007540, OMIM 131100.

Allele frequency attached by ClinVar (database versions not stated): gnomAD 0.00001; ExAC 0.00002; gnomAD exomes 0.00002.

Submissions (3):

Labcorp Genetics (formerly Invitae), Labcorp
Classification: Likely benign for Multiple endocrine neoplasia, type 1. Last evaluated: 2025-07-09. Review status: criteria provided, single submitter. Criteria: Invitae Variant Classification Sherloc (09022015). Collection method: clinical testing. Allele origin: germline.

Ambry Genetics
Classification: Uncertain significance for Hereditary cancer-predisposing syndrome. Last evaluated: 2024-09-02. Review status: criteria provided, single submitter. Criteria: Ambry Variant Classification Scheme 2023. Collection method: clinical testing. Allele origin: germline.
Comment: The p.P493L variant (also known as c.1478C>T), located in coding exon 9 of the MEN1 gene, results from a C to T substitution at nucleotide position 1478. The proline at codon 493 is replaced by leucine, an amino acid with similar properties. This amino acid position is well conserved in available vertebrate species. In addition, the in silico prediction for this alteration is inconclusive. Since supporting evidence is limited at this time, the clinical significance of this alteration remains unclear.

Baylor Genetics
Classification: Uncertain significance for Multiple Endocrine Neoplasia Type 1. Last evaluated: 2023-12-24. Review status: criteria provided, single submitter. Criteria: ACMG Guidelines, 2015. Collection method: clinical testing. Allele origin: unknown.